The following is an entry in ClinVar:

ClinVar aggregate classification (germline): Uncertain significance. Review status: criteria provided, multiple submitters, no conflicts (2 of 4 stars). 2 submissions from 2 submitters: Uncertain significance (2). Last evaluated 2024-03-22.

Conditions:
Dilated cardiomyopathy 1GG (CMD1GG). Identifiers: Orphanet 154, MedGen C3150898, MONDO:0013339, OMIM 613642.
Mitochondrial complex II deficiency, nuclear type 1. Also called: SUCCINATE CoQ REDUCTASE DEFICIENCY. Identifiers: Orphanet 3208, MedGen C5700310, MONDO:0100294, OMIM 252011.
Pheochromocytoma/paraganglioma syndrome 5. Also called: Paragangliomas 5; SDHA-Related Hereditary Paraganglioma-Pheochromocytoma Syndrome. Identifiers: Orphanet 29072, MedGen C3279992, MONDO:0013602, OMIM 614165.

Submissions (2):

Baylor Genetics
Classification: Uncertain significance for Dilated cardiomyopathy 1GG. Last evaluated: 2024-03-22. Review status: criteria provided, single submitter. Criteria: ACMG Guidelines, 2015. Collection method: clinical testing. Allele origin: unknown.

Labcorp Genetics (formerly Invitae), Labcorp
Classification: Uncertain significance for Pheochromocytoma/paraganglioma syndrome 5; Mitochondrial complex II deficiency, nuclear type 1. Last evaluated: 2023-04-14. Review status: criteria provided, single submitter. Criteria: Invitae Variant Classification Sherloc (09022015). Collection method: clinical testing. Allele origin: germline.
Comment: In summary, the available evidence is currently insufficient to determine the role of this variant in disease. Therefore, it has been classified as a Variant of Uncertain Significance. Advanced modeling of protein sequence and biophysical properties (such as structural, functional, and spatial information, amino acid conservation, physicochemical variation, residue mobility, and thermodynamic stability) has been performed at Invitae for this missense variant, however the output from this modeling did not meet the statistical confidence thresholds required to predict the impact of this variant on SDHA protein function. This variant has not been reported in the literature in individuals affected with SDHA-related conditions. This variant is not present in population databases (gnomAD no frequency). This sequence change replaces histidine, which is basic and polar, with tyrosine, which is neutral and polar, at codon 140 of the SDHA protein (p.His140Tyr).

NM_004168.4(SDHA):c.418C>T (p.His140Tyr)

Gene: SDHA (succinate dehydrogenase complex flavoprotein subunit A; plus strand). Cytogenetic location: 5p15.33.
Variant type: single nucleotide variant.
Coding change: c.418C>T on transcript NM_004168.4 (MANE Select); coding-DNA position 418, C replaced by T.
Protein change: p.His140Tyr; replaces histidine 140 with tyrosine.
Molecular consequence: missense variant. On other transcripts: intron variant (1).
Genome position (GRCh38, 1-based): chr5:225,524, C>T. VCF-style: chr5-225524-C-T. GRCh37 (hg19) VCF-style: chr5-225639-C-T.
Other names: c.418C>T, p.His140Tyr (NM_001330758.2); c.313-359C>T (NM_001294332.2); short protein forms H140Y.
Identifiers: ClinVar variation 2924630 (VCV002924630.4), dbSNP rs2477295382, ClinGen allele CA359009572.
Genomic context (GRCh38, chr5:225,524, plus strand): 5'-AGGTGGCATTTCTACGACACCGTGAAGGGCTCCGACTGGCTGGGGGACCAGGATGCCATC[C>T]ACTACATGACGGAGCAGGCCCCCGCCGCCGTGGTCGAGGTGATGGGCGGGAGGCTCTGGG-3'
Protein context (NP_004159.2, residues 130-150): SDWLGDQDAI[His140Tyr]YMTEQAPAAV